The following is an entry in ClinVar:

ClinVar aggregate classification (germline): Uncertain significance (1 of 4 stars; one submission).

Conditions:
Adams-Oliver syndrome 5 (AOS5). Identifiers: Orphanet 974, MedGen C4014970, MONDO:0014459, OMIM 616028.

Submission:

Labcorp Genetics (formerly Invitae), Labcorp
Classification: Uncertain significance for Adams-Oliver syndrome 5. Last evaluated: 2019-01-25. Review status: criteria provided, single submitter. Criteria: Invitae Variant Classification Sherloc (09022015). Collection method: clinical testing. Allele origin: germline.
Comment: In summary, the available evidence is currently insufficient to determine the role of this variant in disease. Therefore, it has been classified as a Variant of Uncertain Significance. Algorithms developed to predict the effect of missense changes on protein structure and function are either unavailable or do not agree on the potential impact of this missense change (SIFT: "Deleterious"; PolyPhen-2: "Benign"; Align-GVGD: "Class C0"). This variant has not been reported in the literature in individuals with NOTCH1-related conditions. This variant is not present in population databases (ExAC no frequency). This sequence change replaces serine with arginine at codon 1152 of the NOTCH1 protein (p.Ser1152Arg). The serine residue is weakly conserved and there is a moderate physicochemical difference between serine and arginine.

NM_017617.5(NOTCH1):c.3456C>A (p.Ser1152Arg)

Gene: NOTCH1 (notch receptor 1; minus strand). Cytogenetic location: 9q34.3.
Variant type: single nucleotide variant.
Coding change: c.3456C>A on transcript NM_017617.5 (MANE Select); coding-DNA position 3456, C replaced by A.
Protein change: p.Ser1152Arg; replaces serine 1152 with arginine.
Molecular consequence: missense variant.
Genome position (GRCh38, 1-based): chr9:136,508,009, G>T on the plus strand (C>A on the coding strand, the complement: NOTCH1 is on the minus strand). VCF-style: chr9-136508009-G-T. GRCh37 (hg19) VCF-style: chr9-139402461-G-T.
Other names: short protein forms S1152R.
Identifiers: ClinVar variation 840483 (VCV000840483.9), dbSNP rs1354855330, ClinGen allele CA375551093.
Genomic context (GRCh38, chr9:136,508,009, plus strand): 5'-CCCCACCTTGCAGGAGTAGCCGCCCAGGTAGTCCGTGCAGGTGGCCCCGTTCTGGCAGGG[G>T]CTGGGTGAGCACTCGTCCACCAGGTCCTCACAGTAGCTGCCTGTGTAGCCCGCCTGGCAG-3'
Protein context (NP_060087.3, residues 1142-1162): CEDLVDECSP[Ser1152Arg]PCQNGATCTD